The following is an entry in ClinVar:

NM_024753.5(TTC21B):c.2139-16T>G

Gene: TTC21B (tetratricopeptide repeat domain 21B; minus strand). Cytogenetic location: 2q24.3.
Variant type: single nucleotide variant.
Coding change: c.2139-16T>G on transcript NM_024753.5 (MANE Select); 16 bases into the intron before coding-DNA position 2139, T replaced by G.
Molecular consequence: intron variant.
Genome position (GRCh38, 1-based): chr2:165,913,662, A>C on the plus strand (T>G on the coding strand, the complement: TTC21B is on the minus strand). VCF-style: chr2-165913662-A-C. GRCh37 (hg19) VCF-style: chr2-166770172-A-C.
Identifiers: ClinVar variation 4785981 (VCV004785981.1).
Genomic context (GRCh38, chr2:165,913,662, plus strand): 5'-AGGAGAAGAAAAGACCGAGGGTTAGCCATTCTTTCAGCAATTTCTCTGGAAATCAGACCA[A>C]CATTACTTAGCATATTGAACACAGATATCTTCTTCCAAAAATAAAATAAAATAAAAAATA-3'

ClinVar aggregate classification (germline): Uncertain significance (1 of 4 stars; one submission).

Conditions:
Nephronophthisis. Also called: Juvenile Nephronophthisis. Identifiers: Orphanet 655, MedGen C0687120, MONDO:0019005, HP:0000090.
Jeune thoracic dystrophy. Also called: Jeune syndrome; Infantile thoracic dystrophy; Thoracic pelvic phalangeal dystrophy; Jeune's syndrome; Chondroectodermal dysplasia-like syndrome; Short-rib thoracic dysplasia. Identifiers: Orphanet 474, MedGen C0265275, MONDO:0018770.

Submission:

Labcorp Genetics (formerly Invitae), Labcorp
Classification: Uncertain significance for Jeune thoracic dystrophy; Nephronophthisis. Last evaluated: 2025-12-23. Review status: criteria provided, single submitter. Criteria: Invitae Variant Classification Sherloc (09022015). Collection method: clinical testing. Allele origin: germline.
Comment: This sequence change falls in intron 15 of the TTC21B gene. It does not directly change the encoded amino acid sequence of the TTC21B protein. This variant is not present in population databases (gnomAD no frequency). This variant has not been reported in the literature in individuals affected with TTC21B-related conditions. Algorithms developed to predict the effect of sequence changes on RNA splicing suggest that this variant may disrupt the consensus splice site. In summary, the available evidence is currently insufficient to determine the role of this variant in disease. Therefore, it has been classified as a Variant of Uncertain Significance.